The following is an entry in ClinVar:

NM_001457.4(FLNB):c.4604G>A (p.Ser1535Asn)

Gene: FLNB (filamin B; plus strand). Cytogenetic location: 3p14.3.
Variant type: single nucleotide variant.
Coding change: c.4604G>A on transcript NM_001457.4 (MANE Select); coding-DNA position 4604, G replaced by A.
Protein change: p.Ser1535Asn; replaces serine 1535 with asparagine.
Molecular consequence: missense variant.
Genome position (GRCh38, 1-based): chr3:58,134,705, G>A. VCF-style: chr3-58134705-G-A. GRCh37 (hg19) VCF-style: chr3-58120432-G-A.
Other names: c.4697G>A, p.Ser1566Asn (NM_001164317.2); c.4604G>A, p.Ser1535Asn (NM_001164318.2, NM_001164319.2); short protein forms S1535N, S1566N.
Identifiers: ClinVar variation 1705102 (VCV001705102.1), dbSNP rs2471161029, ClinGen allele CA353351755.

ClinVar aggregate classification (germline): Likely pathogenic (1 of 4 stars; one submission).

Conditions:
Larsen syndrome (LRS). Also called: Bilateral dislocation of the knees, pes cavus, cylindrically shaped fingers and characteristic facies; Larsen syndrome (FLNB-LS). Identifiers: Orphanet 503, MedGen C0175778, MONDO:0007875, OMIM 150250. Disease mechanism: loss of function.

Submission:

Women's Health and Genetics/Laboratory Corporation of America, LabCorp
Classification: Likely pathogenic for Larsen syndrome. Last evaluated: 2022-08-15. Review status: criteria provided, single submitter. Criteria: LabCorp Variant Classification Summary - May 2015. Collection method: clinical testing. Allele origin: germline.
Comment: Variant summary: FLNB c.4604G>A (p.Ser1535Asn) results in a conservative amino acid change located in one of the filamin repeats (IPR001298) of the encoded protein sequence. Four of five in-silico tools predict a damaging effect of the variant on protein function. The variant was absent in 251468 control chromosomes (gnomAD). c.4604G>A has been reported in the literature in a large family in multiple individuals who were affected with Larsen Syndrome (Zhang_2006), the variant segregated with disease, however no full gene sequencing was performed to exclude other potential causative variants. These data indicate that the variant is likely to be associated with disease. To our knowledge, no experimental evidence demonstrating an impact on protein function has been reported. No clinical diagnostic laboratories have submitted clinical-significance assessments for this variant to ClinVar after 2014. Based on the evidence outlined above, the variant was classified as likely pathogenic.

Literature cited by the submitters: PubMed 16648377.